The following is an entry in ClinVar:

ClinVar aggregate classification (germline): Uncertain significance. Review status: criteria provided, multiple submitters, no conflicts (2 of 4 stars). 3 submissions from 3 submitters: Uncertain significance (3). Last evaluated 2026-04-20.

Conditions:
VCAN-related disorder. Also called: VCAN-related condition.

Allele frequency attached by ClinVar (database versions not stated): gnomAD exomes below 0.00001 and 0.00001; TOPMed below 0.00001; ExAC 0.00001; ESP Exome Variant Server 0.00008.
gnomAD v4.1: 8 of 1,613,922 alleles (0.0005%); highest among the groups gnomAD compares: Non-Finnish European, 0.00059%; no homozygotes.

Submissions (3):

PreventionGenetics, part of Exact Sciences
Classification: Uncertain significance for VCAN-related condition. Last evaluated: 2026-04-20. Review status: criteria provided, single submitter. Criteria: ACMG Guidelines, 2015. Collection method: clinical testing. Allele origin: germline.
Comment: The VCAN c.4226A>G variant is predicted to result in the amino acid substitution p.Gln1409Arg. To our knowledge, this variant has not been reported in the literature. This variant is reported in 0.00089% of alleles in individuals of European (Non-Finnish) descent in gnomAD. At this time, the clinical significance of this variant is uncertain due to the absence of conclusive functional and genetic evidence.

Labcorp Genetics (formerly Invitae), Labcorp
Classification: Uncertain significance. Last evaluated: 2024-04-17. Review status: criteria provided, single submitter. Criteria: Invitae Variant Classification Sherloc (09022015). Collection method: clinical testing. Allele origin: germline.
Comment: This sequence change replaces glutamine, which is neutral and polar, with arginine, which is basic and polar, at codon 1409 of the VCAN protein (p.Gln1409Arg). This variant is present in population databases (rs377701113, gnomAD 0.0009%). This variant has not been reported in the literature in individuals affected with VCAN-related conditions. ClinVar contains an entry for this variant (Variation ID: 954213). An algorithm developed to predict the effect of missense changes on protein structure and function (PolyPhen-2) suggests that this variant is likely to be disruptive. In summary, the available evidence is currently insufficient to determine the role of this variant in disease. Therefore, it has been classified as a Variant of Uncertain Significance.

Blueprint Genetics
Classification: Uncertain significance. Last evaluated: 2023-04-19. Review status: criteria provided, single submitter. Criteria: ACMG Guidelines, 2015. Collection method: clinical testing. Allele origin: germline.

NM_004385.5(VCAN):c.4226A>G (p.Gln1409Arg)

Genes: VCAN (versican; plus strand), VCAN-AS1 (VCAN antisense RNA 1; minus strand). Cytogenetic location: 5q14.3.
Variant type: single nucleotide variant.
Coding change: c.4226A>G on transcript NM_004385.5 (MANE Select); coding-DNA position 4226, A replaced by G.
Protein change: p.Gln1409Arg; replaces glutamine 1409 with arginine.
Molecular consequence: missense variant. On other transcripts: intron variant (2).
Genome position (GRCh38, 1-based): chr5:83,537,229, A>G. VCF-style: chr5-83537229-A-G. GRCh37 (hg19) VCF-style: chr5-82833048-A-G.
Other names: c.1265A>G, p.Gln422Arg (NM_001164097.2); c.4004-8308A>G (NM_001164098.2); c.1043-8308A>G (NM_001126336.3); short protein forms Q422R, Q1409R.
Identifiers: ClinVar variation 954213 (VCV000954213.11), dbSNP rs377701113, ClinGen allele CA3333136.
Genomic context (GRCh38, chr5:83,537,229, plus strand): 5'-ATGAAGAAGAAGAAGAAGAGTGTGCAAATGCTACTGATGTGACAACCACCCCATCTGTGC[A>G]GTACATAAATGGGAAGCATCTCGTTACCACTGTGCCCAAGGACCCAGAAGCTGCAGAAGC-3'
Protein context (NP_004376.2, residues 1399-1419): ATDVTTTPSV[Gln1409Arg]YINGKHLVTT